The following is an entry in ClinVar:

ClinVar aggregate classification (germline): Conflicting classifications of pathogenicity. Review status: criteria provided, conflicting classifications (1 of 4 stars). 4 submissions from 4 submitters: Likely pathogenic (3); Uncertain significance (1). Last evaluated 2026-01-28.

Conditions:
LAMA2-related muscular dystrophy (LAMA2-RD). Also called: Laminin alpha 2-related dystrophy. Identifiers: MedGen C5679788, MONDO:0100228.
Muscular dystrophy, limb-girdle, autosomal recessive 23. Identifiers: Orphanet 565837, MedGen C4748327, MONDO:0029136, OMIM 618138.
Merosin deficient congenital muscular dystrophy (MDC1A). Also called: Congenital Muscular Dystrophy Type 1A (MDC1A); Congenital merosin-deficient muscular dystrophy 1A. Identifiers: Orphanet 258, MedGen C1263858, MONDO:0011925, OMIM 607855.

Allele frequency attached by ClinVar (database versions not stated): gnomAD exomes below 0.00001.
gnomAD v4.1: 3 of 1,613,958 alleles (0.00019%); highest among the groups gnomAD compares: Non-Finnish European, 0.00025%; no homozygotes.

Submissions (4):

Myriad Genetics, Inc.
Classification: Uncertain significance for LAMA2-related muscular dystrophy. Last evaluated: 2026-01-28. Review status: criteria provided, single submitter. Criteria: Myriad Autosomal Dominant, Autosomal Recessive and X-Linked Classification Criteria (2023). Collection method: clinical testing. Allele origin: unknown.
Comment: NM_000426.3(LAMA2):c.3555+1G>A is a variant in a canonical splice site classified as a variant of uncertain significance in the context of muscular dystrophy, LAMA2-related. c.3555+1G>A has not been observed in cases with relevant disease. Relevant functional assessments of this variant are not available in the literature. c.3555+1G>A has not been observed in referenced population frequency databases. In summary, there is insufficient evidence to classify NM_000426.3(LAMA2):c.3555+1G>A as pathogenic or benign. Please note: this variant was assessed in the context of healthy population screening.

Fulgent Genetics
Classification: Likely pathogenic for Merosin deficient congenital muscular dystrophy; Muscular dystrophy, limb-girdle, autosomal recessive 23. Last evaluated: 2024-05-17. Review status: criteria provided, single submitter. Criteria: ACMG Guidelines, 2015. Collection method: clinical testing. Allele origin: germline.

Labcorp Genetics (formerly Invitae), Labcorp
Classification: Likely pathogenic for LAMA2-related muscular dystrophy. Last evaluated: 2024-01-13. Review status: criteria provided, single submitter. Criteria: Invitae Variant Classification Sherloc (09022015). Collection method: clinical testing. Allele origin: germline.
Comment: This sequence change affects a donor splice site in intron 24 of the LAMA2 gene. It is expected to disrupt RNA splicing. Variants that disrupt the donor or acceptor splice site typically lead to a loss of protein function (PMID: 16199547), and loss-of-function variants in LAMA2 are known to be pathogenic (PMID: 18700894, 32904964). This variant is not present in population databases (gnomAD no frequency). This variant has not been reported in the literature in individuals affected with LAMA2-related conditions. ClinVar contains an entry for this variant (Variation ID: 372984). Algorithms developed to predict the effect of sequence changes on RNA splicing suggest that this variant may disrupt the consensus splice site. In summary, the currently available evidence indicates that the variant is pathogenic, but additional data are needed to prove that conclusively. Therefore, this variant has been classified as Likely Pathogenic.

GeneDx
Classification: Likely pathogenic. Last evaluated: 2016-06-27. Review status: criteria provided, single submitter. Criteria: GeneDx Variant Classification (06012015). Collection method: clinical testing. Allele origin: germline. Affected: yes.
Comment: The c.3555+1G>A variant in the LAMA2 gene has not been reported previously as a pathogenic variant nor as a benign variant, to our knowledge. This splice site variant destroys the canonical splice donor site in intron 24. It is predicted to cause abnormal gene splicing, either leading to an abnormal message that is subject to nonsense-mediated mRNA decay, or to an abnormal protein product if the message is used for protein translation. The c.3555+1G>A variant was not observed in approximately 6,500 individuals of European and African American ancestry in the NHLBI Exome Sequencing Project, indicating it is not a common benign variant in these populations. We interpret c.3555+1G>A as a likely pathogenic variant.

Literature cited by the submitters: PubMed 16199547 (cited by Labcorp Genetics (formerly Invitae), Labcorp); PubMed 18700894 (cited by Labcorp Genetics (formerly Invitae), Labcorp); PubMed 32904964 (cited by Labcorp Genetics (formerly Invitae), Labcorp).

NM_000426.4(LAMA2):c.3555+1G>A

Gene: LAMA2 (laminin subunit alpha 2; plus strand). Cytogenetic location: 6q22.33.
Variant type: single nucleotide variant.
Coding change: c.3555+1G>A on transcript NM_000426.4 (MANE Select); the canonical splice donor site of the intron after coding-DNA position 3555, G replaced by A.
Molecular consequence: splice donor variant.
Genome position (GRCh38, 1-based): chr6:129,314,799, G>A. VCF-style: chr6-129314799-G-A. GRCh37 (hg19) VCF-style: chr6-129635944-G-A.
Other names: c.3555+1G>A (NM_001079823.2).
Identifiers: ClinVar variation 372984 (VCV000372984.6), dbSNP rs1057518119, ClinGen allele CA16042627.
Genomic context (GRCh38, chr6:129,314,799, plus strand): 5'-TGCTATTGCTTCGGCACTACTACCCAGTGCTCTGAAGCAAAAGGACTGATCCGGACGTGG[G>A]TGAGTAGGGAACTGCTGAGCCATGTAATGGTATAATGTTAGTTCCTGCTGGTGTCTTTTA-3'